The following is an entry in ClinVar:

NC_000017.10:g.(?_41197637)_(41234612_?)del

Gene: BRCA1 (BRCA1 DNA repair associated; minus strand). Cytogenetic location: 17q21.31.
Variant type: Deletion.
Identifiers: ClinVar variation 2425712 (VCV002425712.6).

ClinVar aggregate classification (germline): Pathogenic (1 of 4 stars; one submission).

Conditions:
Hereditary breast ovarian cancer syndrome. Also called: Hereditary breast and ovarian cancer syndrome (HBOC); Breast and ovarian cancer; Hereditary breast and/or ovarian cancer syndrome; Hereditary breast and ovarian cancer; BRCA1- and BRCA2-Associated Hereditary Breast and Ovarian Cancer; Hereditary breast and ovarian cancer syndrome. Identifiers: Orphanet 145, MedGen C0677776, MeSH D061325, MONDO:0003582. Disease mechanism: loss of function.

Submission:

Labcorp Genetics (formerly Invitae), Labcorp
Classification: Pathogenic for Hereditary breast ovarian cancer syndrome. Last evaluated: 2022-01-27. Review status: criteria provided, single submitter. Criteria: Invitae Variant Classification Sherloc (09022015). Collection method: clinical testing. Allele origin: germline.
Comment: This variant is a gross deletion of the genomic region encompassing exon(s) 12-23 of the BRCA1 gene, which includes the termination codon. This deletion extends beyond the assayed region for this gene and therefore may encompass additional genes. While this deletion is not anticipated to lead to nonsense mediated decay, it is expected to alter mRNA translation or result in a truncated protein product. This variant has not been reported in the literature in individuals affected with BRCA1-related conditions. This variant disrupts a region of the BRCA1 protein in which other variant(s) (deletion of exons 22-23) have been determined to be pathogenic (PMID: 16715518, 16793929, 17333342, 18431737, 24825132). This suggests that this is a clinically significant region of the protein, and that variants that disrupt it are likely to be disease-causing. For these reasons, this variant has been classified as Pathogenic.

Literature cited by the submitters: PubMed 16715518; PubMed 16793929; PubMed 17333342; PubMed 18431737; PubMed 24825132.